The following is an entry in ClinVar:

ClinVar aggregate classification (germline): Pathogenic. Review status: criteria provided, multiple submitters, no conflicts (2 of 4 stars). 6 submissions from 6 submitters: Pathogenic (6). Last evaluated 2026-01-27.

Conditions:
PKD1-related disorder. Also called: PKD1-related condition.
Polycystic kidney disease, adult type (PKD1). Also called: Polycystic Kidney Disease 1, Autosomal Dominant; Polycystic kidney disease 1; Polycystic kidney disease 1, severe; Polycystic Kidney, Autosomal Dominant; POLYCYSTIC KIDNEY DISEASE, ADULT, TYPE I; POLYCYSTIC KIDNEY DISEASE 1 WITH OR WITHOUT POLYCYSTIC LIVER DISEASE. Identifiers: MedGen C3149841, MONDO:0008263, OMIM 173900.

Submissions (6):

GeneDx
Classification: Pathogenic. Last evaluated: 2026-01-27. Review status: criteria provided, single submitter. Criteria: GeneDx Variant Classification Process June 2021. Collection method: clinical testing. Allele origin: germline.
Comment: Nonsense variant predicted to result in protein truncation or nonsense mediated decay in a gene for which loss of function is a known mechanism of disease; Not observed at significant frequency in large population cohorts (gnomAD); This variant is associated with the following publications: (PMID: 11967008, 25525159, 22508176, 33168999, 15018634)

Mayo Clinic Laboratories, Mayo Clinic
Classification: Pathogenic. Last evaluated: 2025-06-10. Review status: criteria provided, single submitter. Criteria: ACMG Guidelines, 2015. Collection method: clinical testing. Allele origin: germline. Observed: 2 variant alleles.
Comment: PP1, PM2_supporting, PVS1

CeGaT Center for Human Genetics Tuebingen
Classification: Pathogenic. Last evaluated: 2024-11-01. Review status: criteria provided, single submitter. Criteria: CeGaT Center For Human Genetics Tuebingen Variant Classification Criteria Version 2. Collection method: clinical testing. Allele origin: germline. Affected: yes. Observed: 1 variant allele.
Comment: PKD1: PVS1, PM2, PS4:Moderate

Fulgent Genetics
Classification: Pathogenic for Polycystic kidney disease, adult type. Last evaluated: 2024-01-06. Review status: criteria provided, single submitter. Criteria: ACMG Guidelines, 2015. Collection method: clinical testing. Allele origin: germline.

Blueprint Genetics
Classification: Pathogenic for PKD1-related disorders. Last evaluated: 2020-09-16. Review status: criteria provided, single submitter. Criteria: ACMG Guidelines, 2015. Collection method: clinical testing. Allele origin: germline. Affected: yes. Observed: 1 variant allele.

Juno Genomics, Hangzhou Juno Genomics, Inc
Classification: Pathogenic for Polycystic kidney disease, adult type. Review status: criteria provided, single submitter. Criteria: ACMG Guidelines, 2015. Collection method: clinical testing. Allele origin: germline. Affected: yes.
Comment: Absent from controls (or at extremely low frequency if recessive) in Genome Aggregation Database, Exome Sequencing Project, 1000 Genomes Project, or Exome Aggregation Consortium.;Null variant in a gene where loss of function (LOF) is a known mechanism of disease.;The prevalence of the variant in affected individuals is significantly increased compared to the prevalence in controls.;Patient's phenotype or family history is highly specific for a disease with a single genetic etiology.

Literature cited by the submitters: PubMed 11967008 (cited by Mayo Clinic Laboratories, Mayo Clinic); PubMed 25525159 (cited by Mayo Clinic Laboratories, Mayo Clinic); PubMed 33168999 (cited by Mayo Clinic Laboratories, Mayo Clinic).

NM_001009944.3(PKD1):c.5482C>T (p.Gln1828Ter)

Gene: PKD1 (polycystin 1, transient receptor potential channel interacting; minus strand). Cytogenetic location: 16p13.3.
Variant type: single nucleotide variant.
Coding change: c.5482C>T on transcript NM_001009944.3 (MANE Select); coding-DNA position 5482, C replaced by T.
Protein change: p.Gln1828Ter; replaces glutamine 1828 with a stop codon.
Molecular consequence: nonsense.
Genome position (GRCh38, 1-based): chr16:2,109,685, G>A on the plus strand (C>T on the coding strand, the complement: PKD1 is on the minus strand). VCF-style: chr16-2109685-G-A. GRCh37 (hg19) VCF-style: chr16-2159686-G-A.
Other names: p.Gln1828*; c.5482C>T, p.Gln1828Ter (NM_000296.4); short protein forms Q1828*.
Identifiers: ClinVar variation 3335841 (VCV003335841.19).